The following is an entry in ClinVar:

ClinVar aggregate classification (germline): Uncertain significance. Review status: criteria provided, multiple submitters, no conflicts (2 of 4 stars). 2 submissions from 2 submitters: Uncertain significance (2). Last evaluated 2026-01-27.

Conditions:
Bethlem myopathy 1A. Also called: Bethlem Muscular Dystrophy; MYOPATHY, BENIGN CONGENITAL, WITH CONTRACTURES; Bethlem myopathy 1. Identifiers: Orphanet 610, MedGen CN029274, MONDO:0024530, OMIM 158810.

Allele frequency attached by ClinVar (database versions not stated): TOPMed 0.00008.
gnomAD v4.1: 39 of 1,612,558 alleles (0.0024%); highest among the groups gnomAD compares: African/African-American, 0.013%; no homozygotes.

Submissions (2):

Labcorp Genetics (formerly Invitae), Labcorp
Classification: Uncertain significance for Bethlem myopathy 1A. Last evaluated: 2026-01-27. Review status: criteria provided, single submitter. Criteria: Invitae Variant Classification Sherloc (09022015). Collection method: clinical testing. Allele origin: germline.
Comment: This sequence change falls in intron 18 of the COL6A2 gene. It does not directly change the encoded amino acid sequence of the COL6A2 protein. It affects a nucleotide within the consensus splice site. This variant is present in population databases (no rsID available, gnomAD 0.008%). This variant has not been reported in the literature in individuals affected with COL6A2-related conditions. ClinVar contains an entry for this variant (Variation ID: 285178). Variants that disrupt the consensus splice site are a relatively common cause of aberrant splicing (PMID: 17576681, 9536098). Algorithms developed to predict the effect of sequence changes on RNA splicing suggest that this variant is not likely to affect RNA splicing. In summary, the available evidence is currently insufficient to determine the role of this variant in disease. Therefore, it has been classified as a Variant of Uncertain Significance.

Eurofins Ntd Llc (ga)
Classification: Uncertain significance. Last evaluated: 2018-06-11. Review status: criteria provided, single submitter. Criteria: EGL ClinVar v180209 classification definitions. Collection method: clinical testing. Allele origin: germline. Observed: 3 variant alleles, 3 heterozygotes.

Literature cited by the submitters: PubMed 17576681 (cited by Labcorp Genetics (formerly Invitae), Labcorp); PubMed 9536098 (cited by Labcorp Genetics (formerly Invitae), Labcorp).

NM_001849.4(COL6A2):c.1521+4C>T

Gene: COL6A2 (collagen type VI alpha 2 chain; plus strand). Cytogenetic location: 21q22.3.
Variant type: single nucleotide variant.
Coding change: c.1521+4C>T on transcript NM_001849.4 (MANE Select); 4 bases into the intron after coding-DNA position 1521, C replaced by T.
Molecular consequence: intron variant.
Genome position (GRCh38, 1-based): chr21:46,121,622, C>T. VCF-style: chr21-46121622-C-T. GRCh37 (hg19) VCF-style: chr21-47541536-C-T.
Other names: c.1521+4C>T (NM_058175.3, NM_058174.3).
Identifiers: ClinVar variation 285178 (VCV000285178.11), dbSNP rs886043036, ClinGen allele CA10605025.